The following is an entry in ClinVar:

ClinVar aggregate classification (germline): Uncertain significance. Review status: criteria provided, multiple submitters, no conflicts (2 of 4 stars). 2 submissions from 2 submitters: Uncertain significance (2). Last evaluated 2025-08-23.

Conditions:
Inborn genetic diseases. Identifiers: MedGen C0950123, MeSH D030342.

Allele frequency attached by ClinVar (database versions not stated): gnomAD exomes below 0.00001.
gnomAD v4.1: 2 of 1,608,532 alleles (0.00012%); highest among the groups gnomAD compares: Non-Finnish European, 0.00017%; no homozygotes.

Submissions (2):

Ambry Genetics
Classification: Uncertain significance for Inborn genetic diseases. Last evaluated: 2025-08-23. Review status: criteria provided, single submitter. Criteria: Ambry Variant Classification Scheme 2023. Collection method: clinical testing. Allele origin: germline.

Labcorp Genetics (formerly Invitae), Labcorp
Classification: Uncertain significance. Last evaluated: 2021-10-30. Review status: criteria provided, single submitter. Criteria: Invitae Variant Classification Sherloc (09022015). Collection method: clinical testing. Allele origin: germline.
Comment: Algorithms developed to predict the effect of missense changes on protein structure and function are either unavailable or do not agree on the potential impact of this missense change (SIFT: "Deleterious"; PolyPhen-2: "Probably Damaging"; Align-GVGD: "Class C0"). This variant has not been reported in the literature in individuals affected with CEP135-related conditions. This variant is present in population databases (no rsID available, gnomAD 0.0009%). This sequence change replaces isoleucine, which is neutral and non-polar, with phenylalanine, which is neutral and non-polar, at codon 270 of the CEP135 protein (p.Ile270Phe). In summary, the available evidence is currently insufficient to determine the role of this variant in disease. Therefore, it has been classified as a Variant of Uncertain Significance.

NM_025009.5(CEP135):c.808A>T (p.Ile270Phe)

Gene: CEP135 (centrosomal protein 135; plus strand). Cytogenetic location: 4q12.
Variant type: single nucleotide variant.
Coding change: c.808A>T on transcript NM_025009.5 (MANE Select); coding-DNA position 808, A replaced by T.
Protein change: p.Ile270Phe; replaces isoleucine 270 with phenylalanine.
Molecular consequence: missense variant.
Genome position (GRCh38, 1-based): chr4:55,964,382, A>T. VCF-style: chr4-55964382-A-T. GRCh37 (hg19) VCF-style: chr4-56830548-A-T.
Other names: c.808A>T (NM_025009.3); short protein forms I270F.
Identifiers: ClinVar variation 1354189 (VCV001354189.5), dbSNP rs551280360, ClinGen allele CA356976131.
Genomic context (GRCh38, chr4:55,964,382, plus strand): 5'-GGTGGTCGGTCCCCTGATGTCCTTTCTCTGGAGTCTAGAAATAAAACCAATGAAAAGCTT[A>T]TTGCTCATTTAAATATTCAGGTAATGGCTTTTATAATTATTTCACTGAGTGTATATAATG-3'
Protein context (NP_079285.2, residues 260-280): ESRNKTNEKL[Ile270Phe]AHLNIQVDFL